The following is an entry in ClinVar:

NC_000007.13:g.(117305619_117306961)_(117308720_?)del

Gene: CFTR (CF transmembrane conductance regulator; plus strand). Cytogenetic location: 7q31.2.
Variant type: Deletion.
Identifiers: ClinVar variation 3769403 (VCV003769403.2).

ClinVar aggregate classification (germline): Pathogenic (1 of 4 stars; one submission).

Conditions:
Cystic fibrosis (CF). Also called: MUCOVISCIDOSIS. Identifiers: Orphanet 586, MedGen C0010674, MONDO:0009061, OMIM 219700. Disease mechanism: loss of function.

Submission:

Women's Health and Genetics/Laboratory Corporation of America, LabCorp
Classification: Pathogenic for Cystic fibrosis. Last evaluated: 2025-01-27. Review status: criteria provided, single submitter. Criteria: LabCorp Variant Classification Summary - May 2015. Collection method: clinical testing. Allele origin: germline.
Comment: Variant summary: The variant involves the deletion of exon 27 in the CFTR gene. A presumed nomenclature of c.(4242+1_4243-1)_(*1558_?)del has been designated for the purposes of this classification. The exact breakpoint at the distal 3' end of this variant is unknown, therefore this deletion may extend downstream of the annotated region of the gene. As it encompasses the termination codon, it is predicted to escape nonsense mediated decay (NMD). The variant was absent in 21694 control chromosomes. To our knowledge, no occurrence of c.(4242+1_4243-1)_(*1558_?)del in individuals affected with Cystic Fibrosis and no experimental evidence demonstrating its impact on protein function have been reported. However, at least 1 non-NMD variant in the overlapping deleted region (p.Gln1476*) has been classified as pathogenic by Labcorp, suggesting that loss of this region is deleterious. No submitters have cited clinical-significance assessments for this variant to ClinVar. Based on the evidence outlined above, the variant was classified as pathogenic.